The following is an entry in ClinVar:

NM_001048174.2(MUTYH):c.1313T>G (p.Val438Gly)

Gene: MUTYH (mutY DNA glycosylase; minus strand). Cytogenetic location: 1p34.1.
Variant type: single nucleotide variant.
Coding change: c.1313T>G on transcript NM_001048174.2 (MANE Select); coding-DNA position 1313, T replaced by G.
Protein change: p.Val438Gly; replaces valine 438 with glycine.
Molecular consequence: missense variant. On other transcripts: non-coding transcript variant (7).
Genome position (GRCh38, 1-based): chr1:45,331,261, A>C on the plus strand (T>G on the coding strand, the complement: MUTYH is on the minus strand). VCF-style: chr1-45331261-A-C. GRCh37 (hg19) VCF-style: chr1-45796933-A-C.
Other names: c.1271T>G, p.Val424Gly (NM_001407080.1); c.1313T>G, p.Val438Gly (NM_001407081.1, NM_001407088.1, NM_001407089.1 and 6 more transcripts); c.968T>G, p.Val323Gly (NM_001407082.1, NM_001350650.2, NM_001350651.2); c.1355T>G, p.Val452Gly (NM_001407083.1, NM_001407085.1); c.1316T>G, p.Val439Gly (NM_001407086.1, NM_001407071.1, NM_001407078.1 and 1 more transcripts); c.1334T>G, p.Val445Gly (NM_001407087.1); c.1037T>G, p.Val346Gly (NM_001407091.1, NM_001293192.2, NM_001293196.2); c.1388T>G, p.Val463Gly (NM_012222.3); and 5 more; short protein forms V323G, V424G, V438G, V439G, V410G, V425G, V449G, V453G.
Identifiers: ClinVar variation 2861539 (VCV002861539.4), dbSNP rs2523915229, ClinGen allele CA340132653.

ClinVar aggregate classification (germline): Uncertain significance. Review status: criteria provided, multiple submitters, no conflicts (2 of 4 stars). 2 submissions from 2 submitters: Uncertain significance (2). Last evaluated 2025-08-27.

Conditions:
Familial adenomatous polyposis 2. Also called: COLORECTAL ADENOMATOUS POLYPOSIS, AUTOSOMAL RECESSIVE; ADENOMAS, MULTIPLE COLORECTAL, AUTOSOMAL RECESSIVE; MUTYH-related attenuated familial adenomatous polyposis; MUTYH-associated polyposis; MYH-associated polyposis; MUTYH Polyposis. Identifiers: Orphanet 220460, Orphanet 247798, MedGen C3272841, MONDO:0012041, OMIM 608456.
Hereditary cancer-predisposing syndrome. Also called: Tumor predisposition; Hereditary neoplastic syndrome; Hereditary Cancer Syndrome; Neoplastic Syndromes, Hereditary. Identifiers: Orphanet 140162, MedGen C0027672, MeSH D009386, MONDO:0015356.

Submissions (2):

Ambry Genetics
Classification: Uncertain significance for Hereditary cancer-predisposing syndrome. Last evaluated: 2025-08-27. Review status: criteria provided, single submitter. Criteria: Ambry Variant Classification Scheme 2023. Collection method: clinical testing. Allele origin: germline.
Comment: The p.V466G variant (also known as c.1397T>G), located in coding exon 14 of the MUTYH gene, results from a T to G substitution at nucleotide position 1397. The valine at codon 466 is replaced by glycine, an amino acid with dissimilar properties. This amino acid position is conserved. In addition, the in silico prediction for this alteration is inconclusive. Based on the available evidence, the clinical significance of this variant remains unclear.

Labcorp Genetics (formerly Invitae), Labcorp
Classification: Uncertain significance for Familial adenomatous polyposis 2. Last evaluated: 2023-05-02. Review status: criteria provided, single submitter. Criteria: Invitae Variant Classification Sherloc (09022015). Collection method: clinical testing. Allele origin: germline.
Comment: In summary, the available evidence is currently insufficient to determine the role of this variant in disease. Therefore, it has been classified as a Variant of Uncertain Significance. Algorithms developed to predict the effect of missense changes on protein structure and function output the following: SIFT: "Not Available"; PolyPhen-2: "Benign"; Align-GVGD: "Not Available". The glycine amino acid residue is found in multiple mammalian species, which suggests that this missense change does not adversely affect protein function. This variant has not been reported in the literature in individuals affected with MUTYH-related conditions. This variant is not present in population databases (gnomAD no frequency). This sequence change replaces valine, which is neutral and non-polar, with glycine, which is neutral and non-polar, at codon 466 of the MUTYH protein (p.Val466Gly).